The following is an entry in ClinVar:

NM_006662.3(SRCAP):c.1360G>T (p.Ala454Ser)

Gene: SRCAP (Snf2 related CREBBP activator protein; plus strand). Cytogenetic location: 16p11.2.
Variant type: single nucleotide variant.
Coding change: c.1360G>T on transcript NM_006662.3 (MANE Select); coding-DNA position 1360, G replaced by T.
Protein change: p.Ala454Ser; replaces alanine 454 with serine.
Molecular consequence: missense variant.
Genome position (GRCh38, 1-based): chr16:30,711,612, G>T. VCF-style: chr16-30711612-G-T. GRCh37 (hg19) VCF-style: chr16-30722933-G-T.
Other names: short protein forms A454S.
Identifiers: ClinVar variation 4281941 (VCV004281941.1).

ClinVar aggregate classification (germline): Uncertain significance (1 of 4 stars; one submission).

gnomAD v4.1: 1 of 1,612,404 alleles (0.000062%); highest among the groups gnomAD compares: Non-Finnish European, 0.000085%; no homozygotes.

Submission:

GeneDx
Classification: Uncertain significance. Last evaluated: 2025-04-09. Review status: criteria provided, single submitter. Criteria: GeneDx Variant Classification Process June 2021. Collection method: clinical testing. Allele origin: germline. Affected: yes.
Comment: Not observed at significant frequency in large population cohorts (gnomAD); In silico analysis indicates that this missense variant does not alter protein structure/function; Has not been previously published as pathogenic or benign to our knowledge